The following is an entry in ClinVar:

ClinVar aggregate classification (germline): Likely pathogenic (1 of 4 stars; one submission).

Conditions:
Mucopolysaccharidosis, MPS-II (MPS2). Also called: Hunter Syndrome; IDURONATE 2-SULFATASE DEFICIENCY; Mucopolysaccharidosis Type II; Mucopolysaccharidosis type 2; Attenuated MPS (subtype; formerly known as mild MPS II); Severe MPS II. Identifiers: Orphanet 580, Orphanet 79388, MedGen C0026705, MONDO:0010674, OMIM 309900.

Submission:

Laboratory of Diagnosis and Therapy of Lysosomal Disorders, University of Padova
Classification: Likely pathogenic for Mucopolysaccharidosis, MPS-II. Last evaluated: 2024-06-07. Review status: criteria provided, single submitter. Criteria: ACMG Guidelines, 2015. Collection method: literature only. Allele origin: germline. Affected: yes. Observed: 1 variant allele.
Comment: Absent from controls (or at low frequency) in gnomAD database (PM2_Moderate), Multiple lines of computational evidence support a deleterious effect (PP3_Supporting), Patient’s phenotype or family history highly specific for the disease (PP4_Strong)

Classification method: ACMG Guidelines [PMID:25741868] with modifications

Literature cited by the submitters: PubMed 36945845.

NM_000202.8(IDS):c.1224_1225insGGG (p.Pro408_Thr409insGly)

Gene: IDS (iduronate 2-sulfatase; minus strand). Cytogenetic location: Xq28.
Variant type: Insertion.
Coding change: c.1224_1225insGGG on transcript NM_000202.8 (MANE Select); coding-DNA positions 1224 to 1225, GGG inserted.
Protein change: p.Pro408_Thr409insGly.
Molecular consequence: inframe insertion.
Genome position: GRCh38 VCF-style: chrX-149483174-T-TCCC. GRCh37 (hg19) VCF-style: chrX-148564705-T-TCCC.
Other names: c.954_955insGGG, p.Pro318_Thr319insGly (NM_001166550.4).
Identifiers: ClinVar variation 3255995 (VCV003255995.2).